The following is an entry in ClinVar:

ClinVar aggregate classification (germline): Pathogenic. Review status: criteria provided, multiple submitters, no conflicts (2 of 4 stars). 2 submissions from 2 submitters: Pathogenic (2). Last evaluated 2023-05-01.

Conditions:
Birt-Hogg-Dube syndrome. Also called: Birt Hogg Dubé syndrome. Identifiers: Orphanet 122, MedGen C0346010, MONDO:0800444.

Submissions (2):

Labcorp Genetics (formerly Invitae), Labcorp
Classification: Pathogenic for Birt-Hogg-Dube syndrome. Last evaluated: 2023-05-01. Review status: criteria provided, single submitter. Criteria: Invitae Variant Classification Sherloc (09022015). Collection method: clinical testing. Allele origin: germline.
Comment: For these reasons, this variant has been classified as Pathogenic. ClinVar contains an entry for this variant (Variation ID: 545728). This premature translational stop signal has been observed in individual(s) with clinical features of Birt–Hogg–Dubé syndrome (PMID: 27734835). This variant is not present in population databases (gnomAD no frequency). This sequence change creates a premature translational stop signal (p.Lys78Serfs*52) in the FLCN gene. It is expected to result in an absent or disrupted protein product. Loss-of-function variants in FLCN are known to be pathogenic (PMID: 15852235).

GeneDx
Classification: Pathogenic. Last evaluated: 2017-10-27. Review status: criteria provided, single submitter. Criteria: GeneDx Variant Classification (06012015). Collection method: clinical testing. Allele origin: germline. Affected: yes.
Comment: This deletion of one nucleotide in FLCN is denoted c.233delA at the cDNA level and p.Lys78SerfsX52 (K78SfsX52) at the protein level. The normal sequence, with the base that is deleted in brackets, is CAAAA[delA]GTCG. The deletion causes a frameshift which changes a Lysine to a Serine at codon 78, and creates a premature stop codon at position 52 of the new reading frame. This variant is predicted to cause loss of normal protein function through either protein truncation or nonsense-mediated mRNA decay. FLCN c.233delA has been reported in at least one individual with fibrofolliculomas (Rossing 2016). We consider this variant to be pathogenic.

Literature cited by the submitters: PubMed 27734835 (cited by Labcorp Genetics (formerly Invitae), Labcorp); PubMed 15852235 (cited by Labcorp Genetics (formerly Invitae), Labcorp).

NM_144997.7(FLCN):c.233del (p.Lys78fs)

Gene: FLCN (folliculin; minus strand). Cytogenetic location: 17p11.2.
Variant type: Deletion.
Coding change: c.233del on transcript NM_144997.7 (MANE Select); coding-DNA position 233, one base deleted (A; older notation c.233delA).
Protein change: p.Lys78fs; shifts the reading frame from lysine 78.
Molecular consequence: frameshift variant.
Genome position (GRCh38, 1-based): chr17:17,227,905, T deleted on the plus strand (A on the coding strand, the reverse complement: FLCN is on the minus strand); the first of 5 consecutive T bases (chr17:17,227,905-17,227,909); deleting any one gives the same sequence. VCF-style (leftmost placement, unchanged base first): chr17-17227904-CT-C. GRCh37 (hg19) VCF-style: chr17-17131218-CT-C.
Other names: c.233del (LRG_325t1); c.233del, p.Lys78fs (NM_001353229.2, NM_001353230.2, NM_001353231.2 and 1 more transcripts); short protein forms K78fs.
Identifiers: ClinVar variation 545728 (VCV000545728.5), dbSNP rs1555611377, ClinGen allele CA658823878.